The following is an entry in ClinVar:

NM_003900.5(SQSTM1):c.193G>A (p.Ala65Thr)

Genes: SQSTM1 (sequestosome 1; plus strand), LOC129995449 (ATAC-STARR-seq lymphoblastoid silent region 16749; plus strand). Cytogenetic location: 5q35.3.
Variant type: single nucleotide variant.
Coding change: c.193G>A on transcript NM_003900.5 (MANE Select); coding-DNA position 193, G replaced by A.
Protein change: p.Ala65Thr; replaces alanine 65 with threonine.
Molecular consequence: missense variant. On other transcripts: intron variant (2).
Genome position (GRCh38, 1-based): chr5:179,821,129, G>A. VCF-style: chr5-179821129-G-A. GRCh37 (hg19) VCF-style: chr5-179248129-G-A.
Other names: c.-47-1829G>A (NM_001142299.2, NM_001142298.2); short protein forms A65T.
Identifiers: ClinVar variation 2924264 (VCV002924264.3), dbSNP rs1486612052, ClinGen allele CA362442543.
Genomic context (GRCh38, chr5:179,821,129, plus strand): 5'-GAGCGGCTGCTGAGCCGGGTGGCCGCCCTGTTCCCCGCGCTGCGGCCTGGCGGCTTCCAG[G>A]CGCACTACCGCGGTGAGCGGGCCGGGGAGCGGCGGGGGCGGTGACGCAGGCCGGACACGG-3'
Protein context (NP_003891.1, residues 55-75): FPALRPGGFQ[Ala65Thr]HYRDEDGDLV

ClinVar aggregate classification (germline): Uncertain significance (1 of 4 stars; one submission).

Conditions:
Paget disease of bone 2, early-onset (PDB2). Also called: Paget disease of bone 2. Identifiers: MedGen C4085251, MONDO:0011183, OMIM 602080.
Frontotemporal dementia and/or amyotrophic lateral sclerosis 1 (FTDALS1). Also called: Frontotemporal dementia with motor neuron disease 1; C9orf72 Frontotemporal Dementia and/or Amyotrophic Lateral Sclerosis. Identifiers: Orphanet 275872, MedGen C5779877, MONDO:0007105, OMIM 105550.

Allele frequency attached by ClinVar (database versions not stated): gnomAD exomes below 0.00001; gnomAD 0.00001.
gnomAD v4.1: 3 of 1,363,780 alleles (0.00022%); highest among the groups gnomAD compares: Non-Finnish European, 0.00028%; no homozygotes.

Submission:

Labcorp Genetics (formerly Invitae), Labcorp
Classification: Uncertain significance for Paget disease of bone 2, early-onset; Frontotemporal dementia and/or amyotrophic lateral sclerosis 1. Last evaluated: 2024-08-20. Review status: criteria provided, single submitter. Criteria: Invitae Variant Classification Sherloc (09022015). Collection method: clinical testing. Allele origin: germline.
Comment: This sequence change replaces alanine, which is neutral and non-polar, with threonine, which is neutral and polar, at codon 65 of the SQSTM1 protein (p.Ala65Thr). This variant is present in population databases (no rsID available, gnomAD 0.007%). This variant has not been reported in the literature in individuals affected with SQSTM1-related conditions. Invitae Evidence Modeling of protein sequence and biophysical properties (such as structural, functional, and spatial information, amino acid conservation, physicochemical variation, residue mobility, and thermodynamic stability) indicates that this missense variant is not expected to disrupt SQSTM1 protein function with a negative predictive value of 80%. In summary, the available evidence is currently insufficient to determine the role of this variant in disease. Therefore, it has been classified as a Variant of Uncertain Significance.